The following is an entry in ClinVar:

ClinVar aggregate classification (germline): Likely benign (1 of 4 stars; one submission).

Allele frequency attached by ClinVar (database versions not stated): gnomAD 0.00021; ESP Exome Variant Server 0.00023; TOPMed 0.00027; 1000 Genomes Project 30x 0.00031; gnomAD exomes 0.00031; 1000 Genomes Project 0.00040; ExAC 0.00049.
gnomAD v4.1: 512 of 1,613,154 alleles (0.032%); highest among the groups gnomAD compares: Middle Eastern, 0.26%; no homozygotes.

Submission:

CeGaT Center for Human Genetics Tuebingen
Classification: Likely benign. Last evaluated: 2022-03-01. Review status: criteria provided, single submitter. Criteria: CeGaT Center For Human Genetics Tuebingen Variant Classification Criteria Version 2. Collection method: clinical testing. Allele origin: germline. Affected: yes. Observed: 1 variant allele.
Comment: AACS: BP4, BP7

NM_023928.5(AACS):c.1365T>C (p.Tyr455=)

Gene: AACS (acetoacetyl-CoA synthetase; plus strand). Cytogenetic location: 12q24.31.
Variant type: single nucleotide variant.
Coding change: c.1365T>C on transcript NM_023928.5 (MANE Select); coding-DNA position 1365, T replaced by C.
Protein change: p.Tyr455=; no amino-acid change (tyrosine 455 retained).
Molecular consequence: synonymous variant. On other transcripts: missense variant (1), non-coding transcript variant (2).
Genome position (GRCh38, 1-based): chr12:125,128,216, T>C. VCF-style: chr12-125128216-T-C. GRCh37 (hg19) VCF-style: chr12-125612762-T-C.
Other names: c.1365T>C, p.Tyr455= (NM_001319839.2, NM_001414675.1); c.1242T>C, p.Tyr414= (NM_001319840.2, NM_001414676.1); c.1052T>C, p.Ile351Thr (NM_001414677.1); short protein forms I351T.
Identifiers: ClinVar variation 2643584 (VCV002643584.24), dbSNP rs199853330, ClinGen allele CA6873340.